The following is an entry in ClinVar:

NM_014053.4(FLVCR1):c.1474G>T (p.Ala492Ser)

Gene: FLVCR1 (FLVCR choline and heme transporter 1; plus strand). Cytogenetic location: 1q32.3.
Variant type: single nucleotide variant.
Coding change: c.1474G>T on transcript NM_014053.4 (MANE Select); coding-DNA position 1474, G replaced by T.
Protein change: p.Ala492Ser; replaces alanine 492 with serine.
Molecular consequence: missense variant.
Genome position (GRCh38, 1-based): chr1:212,889,206, G>T. VCF-style: chr1-212889206-G-T. GRCh37 (hg19) VCF-style: chr1-213062548-G-T.
Other names: short protein forms A492S.
Identifiers: ClinVar variation 1052007 (VCV001052007.6), dbSNP rs142779202, ClinGen allele CA1386156.

ClinVar aggregate classification (germline): Uncertain significance (1 of 4 stars; one submission).

Allele frequency attached by ClinVar (database versions not stated): gnomAD exomes below 0.00001 and 0.00002; ExAC 0.00002; gnomAD 0.00006; TOPMed 0.00006; ESP Exome Variant Server 0.00015.

Submission:

Labcorp Genetics (formerly Invitae), Labcorp
Classification: Uncertain significance. Last evaluated: 2021-08-28. Review status: criteria provided, single submitter. Criteria: Invitae Variant Classification Sherloc (09022015). Collection method: clinical testing. Allele origin: germline.
Comment: This sequence change replaces alanine with serine at codon 492 of the FLVCR1 protein (p.Ala492Ser). The alanine residue is moderately conserved and there is a moderate physicochemical difference between alanine and serine. This variant is present in population databases (rs142779202, ExAC 0.03%). This variant has not been reported in the literature in individuals affected with FLVCR1-related conditions. Algorithms developed to predict the effect of missense changes on protein structure and function (SIFT, PolyPhen-2, Align-GVGD) all suggest that this variant is likely to be tolerated. In summary, the available evidence is currently insufficient to determine the role of this variant in disease. Therefore, it has been classified as a Variant of Uncertain Significance.